The following is an entry in ClinVar:

NM_177438.3(DICER1):c.5505del (p.Pro1836_Met1837insTer)

Gene: DICER1 (dicer 1, ribonuclease III; minus strand). Cytogenetic location: 14q32.13.
Variant type: Deletion.
Coding change: c.5505del on transcript NM_177438.3 (MANE Select); coding-DNA position 5505, one base deleted (T; older notation c.5505delT).
Protein change: p.Pro1836_Met1837insTer.
Molecular consequence: frameshift variant. On other transcripts: nonsense (1), non-coding transcript variant (6), intron variant (1).
Genome position (GRCh38, 1-based): chr14:95,091,225, A deleted on the plus strand (T on the coding strand, the reverse complement: DICER1 is on the minus strand). VCF-style (leftmost placement, unchanged base first): chr14-95091224-GA-G. GRCh37 (hg19) VCF-style: chr14-95557561-GA-G.
Other names: c.5505del, p.Pro1836_Met1837insTer (NM_001271282.3, NM_001291628.2, NM_001395677.1 and 7 more transcripts); c.5505delT, p.Met1837Terfs (NM_001395681.1); c.5223del, p.Pro1742_Met1743insTer (NM_001395686.1); c.5100del, p.Pro1701_Met1702insTer (NM_001395687.1, NM_001395688.1, NM_001395689.1 and 1 more transcripts); c.4938del, p.Pro1647_Met1648insTer (NM_001395691.1); c.3822del, p.Pro1275_Met1276insTer (NM_001395697.1); c.5365-116del (NM_001195573.1).
Identifiers: ClinVar variation 1998159 (VCV001998159.4), dbSNP rs2542404026, ClinGen allele CA2580088996.

ClinVar aggregate classification (germline): Pathogenic (1 of 4 stars; one submission).

Conditions:
DICER1-related tumor predisposition. Also called: DICER1-related pleuropulmonary blastoma cancer predisposition syndrome; DICER1 syndrome. Identifiers: Orphanet 284343, MedGen C3839822, MONDO:0100216.

Submission:

Labcorp Genetics (formerly Invitae), Labcorp
Classification: Pathogenic for DICER1-related tumor predisposition. Last evaluated: 2022-05-24. Review status: criteria provided, single submitter. Criteria: Invitae Variant Classification Sherloc (09022015). Collection method: clinical testing. Allele origin: germline.
Comment: For these reasons, this variant has been classified as Pathogenic. This variant has not been reported in the literature in individuals affected with DICER1-related conditions. This variant is not present in population databases (gnomAD no frequency). This sequence change creates a premature translational stop signal (p.Met1837*) in the DICER1 gene. It is expected to result in an absent or disrupted protein product. Loss-of-function variants in DICER1 are known to be pathogenic (PMID: 19556464, 21266384).

Literature cited by the submitters: PubMed 19556464; PubMed 21266384.